The following is an entry in ClinVar:

NM_012452.3(TNFRSF13B):c.41G>A (p.Arg14His)

Gene: TNFRSF13B (TNF receptor superfamily member 13B; minus strand). Cytogenetic location: 17p11.2.
Variant type: single nucleotide variant.
Coding change: c.41G>A on transcript NM_012452.3 (MANE Select); coding-DNA position 41, G replaced by A.
Protein change: p.Arg14His; replaces arginine 14 with histidine.
Molecular consequence: missense variant.
Genome position (GRCh38, 1-based): chr17:16,972,035, C>T on the plus strand (G>A on the coding strand, the complement: TNFRSF13B is on the minus strand). VCF-style: chr17-16972035-C-T. GRCh37 (hg19) VCF-style: chr17-16875349-C-T.
Other names: short protein forms R14H.
Identifiers: ClinVar variation 618434 (VCV000618434.16), dbSNP rs200309474, ClinGen allele CA8414157.

ClinVar aggregate classification (germline): Conflicting classifications of pathogenicity. Review status: criteria provided, conflicting classifications (1 of 4 stars). 3 submissions from 3 submitters: Uncertain significance (1); Likely benign (2). Last evaluated 2026-05-29.

Conditions:
Immunodeficiency, common variable, 2 (CVID2). Also called: ANTIBODY DEFICIENCY DUE TO TACI DEFECT; HYPOGAMMAGLOBULINEMIA DUE TO TACI DEFICIENCY. Identifiers: Orphanet 1572, MedGen C3150354, MONDO:0009413, OMIM 240500.

Allele frequency attached by ClinVar (database versions not stated): gnomAD 0.00022; TOPMed 0.00018.

Submissions (3):

Women's Health and Genetics/Laboratory Corporation of America, LabCorp
Classification: Uncertain significance. Last evaluated: 2026-05-29. Review status: criteria provided, single submitter. Criteria: LabCorp Variant Classification Summary - May 2015. Collection method: clinical testing. Allele origin: germline.
Comment: Variant summary: TNFRSF13B c.41G>A (p.Arg14His) results in a non-conservative amino acid change in the encoded protein sequence. Algorithms developed to predict the effect of missense changes on protein structure and function are either unavailable or do not agree on the potential impact of this missense change. The variant allele was found at a frequency of 0.0002 in 251294 control chromosomes. This frequency is not significantly higher than estimated for disease-causing variants in TNFRSF13B, allowing no conclusion about variant significance. c.41G>A has been observed in individual(s) affected with Meningoencephalitis of unknown etiology, without strong evidence for causality (Jafarpour_2022). These report(s) do not provide unequivocal conclusions about association of the variant with disease. To our knowledge, no experimental evidence demonstrating an impact on protein function has been reported. The following publication have been ascertained in the context of this evaluation (PMID: 35960392). ClinVar contains an entry for this variant (Variation ID: 618434). Based on the evidence outlined above, the variant was classified as uncertain significance.

Labcorp Genetics (formerly Invitae), Labcorp
Classification: Likely benign for Immunodeficiency, common variable, 2. Last evaluated: 2026-02-01. Review status: criteria provided, single submitter. Criteria: Invitae Variant Classification Sherloc (09022015). Collection method: clinical testing. Allele origin: germline.

ARUP Laboratories, Molecular Genetics and Genomics, ARUP Laboratories
Classification: Likely benign. Last evaluated: 2019-09-29. Review status: criteria provided, single submitter. Criteria: ARUP Molecular Germline Variant Investigation Process. Collection method: clinical testing. Allele origin: germline.

Literature cited by the submitters: PubMed 35960392 (cited by Women's Health and Genetics/Laboratory Corporation of America, LabCorp).